The following is an entry in ClinVar:

ClinVar aggregate classification (germline): Uncertain significance (1 of 4 stars; one submission).

Submission:

GeneDx
Classification: Uncertain significance. Last evaluated: 2016-12-20. Review status: criteria provided, single submitter. Criteria: GeneDx Variant Classification (06012015). Collection method: clinical testing. Allele origin: germline. Affected: yes.
Comment: The G954D variant in the TLL1 gene has not been reported previously as a pathogenic variant, nor as a benign variant, to our knowledge. The G954D variant was not observed in approximately 6500 individuals of European and African American ancestry in the NHLBI Exome Sequencing Project, indicating it is not a common benign variant in these populations. The G954D variant is a non-conservative amino acid substitution, which is likely to impact secondary protein structure as these residues differ in polarity, charge, size and/or other properties. This substitution occurs at a position that is conserved across species. In silico analysis predicts this variant is probably damaging to the protein structure/function. We interpret G954D as a variant of uncertain significance.

NM_012464.5(TLL1):c.2861G>A (p.Gly954Asp)

Gene: TLL1 (tolloid like 1; plus strand). Cytogenetic location: 4q32.3.
Variant type: single nucleotide variant.
Coding change: c.2861G>A on transcript NM_012464.5 (MANE Select); coding-DNA position 2861, G replaced by A.
Protein change: p.Gly954Asp; replaces glycine 954 with aspartic acid.
Molecular consequence: missense variant.
Genome position (GRCh38, 1-based): chr4:166,099,481, G>A. VCF-style: chr4-166099481-G-A. GRCh37 (hg19) VCF-style: chr4-167020633-G-A.
Other names: short protein forms G954D.
Identifiers: ClinVar variation 391699 (VCV000391699.2), dbSNP rs1057524197, ClinGen allele CA16604718.